The following is an entry in ClinVar:

NM_032833.5(PPP1R15B):c.1997C>T (p.Ala666Val)

Gene: PPP1R15B (protein phosphatase 1 regulatory subunit 15B; minus strand). Cytogenetic location: 1q32.1.
Variant type: single nucleotide variant.
Coding change: c.1997C>T on transcript NM_032833.5 (MANE Select); coding-DNA position 1997, C replaced by T.
Protein change: p.Ala666Val; replaces alanine 666 with valine.
Molecular consequence: missense variant.
Genome position (GRCh38, 1-based): chr1:204,406,237, G>A on the plus strand (C>T on the coding strand, the complement: PPP1R15B is on the minus strand). VCF-style: chr1-204406237-G-A. GRCh37 (hg19) VCF-style: chr1-204375365-G-A.
Other names: c.1997C>T (NM_032833.3); short protein forms A666V.
Identifiers: ClinVar variation 2186014 (VCV002186014.5), dbSNP rs770556808, ClinGen allele CA1346525.

ClinVar aggregate classification (germline): Uncertain significance. Review status: criteria provided, multiple submitters, no conflicts (2 of 4 stars). 2 submissions from 2 submitters: Uncertain significance (2). Last evaluated 2024-02-24.

Conditions:
Inborn genetic diseases. Identifiers: MedGen C0950123, MeSH D030342.

Allele frequency attached by ClinVar (database versions not stated): gnomAD 0.00001; ExAC 0.00002; TOPMed 0.00002; gnomAD exomes 0.00003.
gnomAD v4.1: 51 of 1,613,974 alleles (0.0032%); highest among the groups gnomAD compares: Admixed American, 0.01%; no homozygotes.

Submissions (2):

Labcorp Genetics (formerly Invitae), Labcorp
Classification: Uncertain significance. Last evaluated: 2024-02-24. Review status: criteria provided, single submitter. Criteria: Invitae Variant Classification Sherloc (09022015). Collection method: clinical testing. Allele origin: germline.
Comment: This sequence change replaces alanine, which is neutral and non-polar, with valine, which is neutral and non-polar, at codon 666 of the PPP1R15B protein (p.Ala666Val). This variant is present in population databases (rs770556808, gnomAD 0.006%). This variant has not been reported in the literature in individuals affected with PPP1R15B-related conditions. ClinVar contains an entry for this variant (Variation ID: 2186014). Advanced modeling of protein sequence and biophysical properties (such as structural, functional, and spatial information, amino acid conservation, physicochemical variation, residue mobility, and thermodynamic stability) performed at Invitae indicates that this missense variant is expected to disrupt PPP1R15B protein function with a positive predictive value of 80%. In summary, the available evidence is currently insufficient to determine the role of this variant in disease. Therefore, it has been classified as a Variant of Uncertain Significance.

Ambry Genetics
Classification: Uncertain significance for Inborn genetic diseases. Last evaluated: 2021-10-21. Review status: criteria provided, single submitter. Criteria: Ambry Variant Classification Scheme 2023. Collection method: clinical testing. Allele origin: germline.